The following is an entry in ClinVar:

ClinVar aggregate classification (germline): Uncertain significance. Review status: criteria provided, multiple submitters, no conflicts (2 of 4 stars). 2 submissions from 2 submitters: Uncertain significance (2). Last evaluated 2026-02-27.

Allele frequency attached by ClinVar (database versions not stated): gnomAD exomes below 0.00001; TOPMed 0.00006; gnomAD 0.00003.
gnomAD v4.1: 9 of 1,583,290 alleles (0.00057%); highest among the groups gnomAD compares: Admixed American, 0.012%; no homozygotes.

Submissions (2):

Dasa
Classification: Uncertain significance. Last evaluated: 2026-02-27. Review status: criteria provided, single submitter. Criteria: DASA Assertion Criteria. Collection method: clinical testing. Allele origin: germline.
Comment: NM_014633.5(CTR9):c.2109+4A>G is a splice-region variant predicted to affect normal RNA splicing. This variant is rare in population databases. Computational prediction algorithms are consistent with a deleterious effect. The currently available literature and clinical evidence are not sufficient to establish a definitive association between this variant and the reported condition. Therefore, this variant is classified as a variant of uncertain significance.

Labcorp Genetics (formerly Invitae), Labcorp
Classification: Uncertain significance. Last evaluated: 2025-05-27. Review status: criteria provided, single submitter. Criteria: Invitae Variant Classification Sherloc (09022015). Collection method: clinical testing. Allele origin: germline.
Comment: This sequence change falls in intron 16 of the CTR9 gene. It does not directly change the encoded amino acid sequence of the CTR9 protein. It affects a nucleotide within the consensus splice site. This variant is present in population databases (no rsID available, gnomAD 0.004%). This variant has not been reported in the literature in individuals affected with CTR9-related conditions. ClinVar contains an entry for this variant (Variation ID: 2885910). Variants that disrupt the consensus splice site are a relatively common cause of aberrant splicing (PMID: 17576681, 9536098). Algorithms developed to predict the effect of sequence changes on RNA splicing suggest that this variant is not likely to affect RNA splicing. In summary, the available evidence is currently insufficient to determine the role of this variant in disease. Therefore, it has been classified as a Variant of Uncertain Significance.

Literature cited by the submitters: PubMed 17576681 (cited by Labcorp Genetics (formerly Invitae), Labcorp); PubMed 9536098 (cited by Labcorp Genetics (formerly Invitae), Labcorp).

NM_014633.5(CTR9):c.2109+4A>G

Gene: CTR9 (CTR9 component of Paf1/RNA polymerase II complex; plus strand). Cytogenetic location: 11p15.4.
Variant type: single nucleotide variant.
Coding change: c.2109+4A>G on transcript NM_014633.5 (MANE Select); 4 bases into the intron after coding-DNA position 2109, A replaced by G.
Molecular consequence: intron variant.
Genome position (GRCh38, 1-based): chr11:10,768,495, A>G. VCF-style: chr11-10768495-A-G. GRCh37 (hg19) VCF-style: chr11-10790042-A-G.
Other names: c.2109+4A>G (NM_001346279.2).
Identifiers: ClinVar variation 2885910 (VCV002885910.5), dbSNP rs927345178, ClinGen allele CA217708761.